The following is an entry in ClinVar:

NM_182914.3(SYNE2):c.10372A>G (p.Lys3458Glu)

Gene: SYNE2 (spectrin repeat containing nuclear envelope protein 2; plus strand). Cytogenetic location: 14q23.2.
Variant type: single nucleotide variant.
Coding change: c.10372A>G on transcript NM_182914.3 (MANE Select); coding-DNA position 10372, A replaced by G.
Protein change: p.Lys3458Glu; replaces lysine 3458 with glutamic acid.
Molecular consequence: missense variant.
Genome position (GRCh38, 1-based): chr14:64,065,591, A>G. VCF-style: chr14-64065591-A-G. GRCh37 (hg19) VCF-style: chr14-64532309-A-G.
Other names: c.10372A>G, p.Lys3458Glu (NM_015180.6); short protein forms K3458E.
Identifiers: ClinVar variation 1436779 (VCV001436779.8), dbSNP rs1464529475, ClinGen allele CA389991579.

ClinVar aggregate classification (germline): Uncertain significance (1 of 4 stars; one submission).

Conditions:
Emery-Dreifuss muscular dystrophy 5, autosomal dominant (EDMD5). Also called: EMERY-DREIFUSS MUSCULAR DYSTROPHY 5. Identifiers: Orphanet 261, MedGen C2751805, MONDO:0013072, OMIM 612999.

Allele frequency attached by ClinVar (database versions not stated): TOPMed below 0.00001; gnomAD exomes 0.00002.
gnomAD v4.1: 25 of 1,614,214 alleles (0.0015%); highest among the groups gnomAD compares: Non-Finnish European, 0.0021%; no homozygotes.

Submission:

Labcorp Genetics (formerly Invitae), Labcorp
Classification: Uncertain significance for Emery-Dreifuss muscular dystrophy 5, autosomal dominant. Last evaluated: 2020-12-03. Review status: criteria provided, single submitter. Criteria: Invitae Variant Classification Sherloc (09022015). Collection method: clinical testing. Allele origin: germline.
Comment: This sequence change replaces lysine with glutamic acid at codon 3458 of the SYNE2 protein (p.Lys3458Glu). The lysine residue is weakly conserved and there is a small physicochemical difference between lysine and glutamic acid. In summary, the available evidence is currently insufficient to determine the role of this variant in disease. Therefore, it has been classified as a Variant of Uncertain Significance. Algorithms developed to predict the effect of missense changes on protein structure and function (SIFT, PolyPhen-2, Align-GVGD) all suggest that this variant is likely to be tolerated, but these predictions have not been confirmed by published functional studies and their clinical significance is uncertain. This variant has not been reported in the literature in individuals with SYNE2-related conditions. This variant is not present in population databases (ExAC no frequency).